The following is an entry in ClinVar:

ClinVar aggregate classification (germline): Uncertain significance. Review status: criteria provided, multiple submitters, no conflicts (2 of 4 stars). 2 submissions from 2 submitters: Uncertain significance (2). Last evaluated 2025-10-23.

Conditions:
Hereditary cancer-predisposing syndrome. Also called: Neoplastic Syndromes, Hereditary; Tumor predisposition; Hereditary Cancer Syndrome; Hereditary neoplastic syndrome. Identifiers: Orphanet 140162, MedGen C0027672, MeSH D009386, MONDO:0015356.
Chuvash polycythemia. Also called: POLYCYTHEMIA, VHL-DEPENDENT. Identifiers: Orphanet 238557, MedGen C1837915, MONDO:0009892, OMIM 263400.
Von Hippel-Lindau syndrome (VHLS). Also called: von Hippel–Lindau syndrome; VHL syndrome; Von Hippel-Lindau. Identifiers: Orphanet 892, MedGen C0019562, MONDO:0008667, OMIM 193300. Disease mechanism: loss of function.

Allele frequency attached by ClinVar (database versions not stated): gnomAD exomes below 0.00001.
gnomAD v4.1: 1 of 1,613,960 alleles (0.000062%); highest among the groups gnomAD compares: Non-Finnish European, 0.000085%; no homozygotes.

Submissions (2):

Labcorp Genetics (formerly Invitae), Labcorp
Classification: Uncertain significance for Von Hippel-Lindau syndrome; Chuvash polycythemia. Last evaluated: 2025-10-23. Review status: criteria provided, single submitter. Criteria: Invitae Variant Classification Sherloc (09022015). Collection method: clinical testing. Allele origin: germline.
Comment: This sequence change replaces proline, which is neutral and non-polar, with arginine, which is basic and polar, at codon 146 of the VHL protein (p.Pro146Arg). This variant is not present in population databases (gnomAD no frequency). This variant has not been reported in the literature in individuals affected with VHL-related conditions. ClinVar contains an entry for this variant (Variation ID: 1740140). Invitae Evidence Modeling of protein sequence and biophysical properties (such as structural, functional, and spatial information, amino acid conservation, physicochemical variation, residue mobility, and thermodynamic stability) indicates that this missense variant is expected to disrupt VHL protein function with a positive predictive value of 95%. In summary, the available evidence is currently insufficient to determine the role of this variant in disease. Therefore, it has been classified as a Variant of Uncertain Significance.

Ambry Genetics
Classification: Uncertain significance for Hereditary cancer-predisposing syndrome. Last evaluated: 2025-02-14. Review status: criteria provided, single submitter. Criteria: Ambry Variant Classification Scheme 2023. Collection method: clinical testing. Allele origin: germline.
Comment: The p.P146R variant (also known as c.437C>G), located in coding exon 2 of the VHL gene, results from a C to G substitution at nucleotide position 437. The proline at codon 146 is replaced by arginine, an amino acid with dissimilar properties. This variant was determined to be functionally deleterious in one saturation genome editing assay (Buckley M et al. Nat Genet, 2024 Jul;56:1446-1455). This amino acid position is well conserved in available vertebrate species. In addition, this alteration is predicted to be deleterious by in silico analysis. Based on the available evidence, the clinical significance of this variant remains unclear.

Literature cited by the submitters: PubMed 38969834 (cited by Ambry Genetics).

NM_000551.4(VHL):c.437C>G (p.Pro146Arg)

Genes: VHL (von Hippel-Lindau tumor suppressor; plus strand), LOC107303340 (3p25 von Hippel-Lindau tumor suppressor, E3 ubiquitin protein ligase Alu-mediated recombination region; plus strand). Cytogenetic location: 3p25.3.
Variant type: single nucleotide variant.
Coding change: c.437C>G on transcript NM_000551.4 (MANE Select); coding-DNA position 437, C replaced by G.
Protein change: p.Pro146Arg; replaces proline 146 with arginine.
Molecular consequence: missense variant. On other transcripts: intron variant (2).
Genome position (GRCh38, 1-based): chr3:10,146,610, C>G. VCF-style: chr3-10146610-C-G. GRCh37 (hg19) VCF-style: chr3-10188294-C-G.
Other names: c.*18-3177C>G (NM_001354723.2); c.341-3177C>G (NM_198156.3); short protein forms P146R.
Identifiers: ClinVar variation 1740140 (VCV001740140.8), dbSNP rs1575928079, ClinGen allele CA351754250.